The following is an entry in ClinVar:

ClinVar aggregate classification (germline): Uncertain significance. Review status: criteria provided, multiple submitters, no conflicts (2 of 4 stars). 3 submissions from 3 submitters: Uncertain significance (2). 1 of the submissions does not count toward it. Last evaluated 2024-05-11.

Conditions:
Cardiovascular phenotype. Identifiers: MedGen CN230736.
Walker-Warburg congenital muscular dystrophy. Also called: Muscular dystrophy-dystroglycanopathy, type A; Walker-Warburg syndrome. Identifiers: Orphanet 899, MedGen C0265221, MONDO:0000171.

Allele frequency attached by ClinVar (database versions not stated): gnomAD 0.00001; TOPMed 0.00002.

Submissions (3):

Ambry Genetics
Classification: Uncertain significance for Cardiovascular phenotype. Last evaluated: 2024-05-11. Review status: criteria provided, single submitter. Criteria: Ambry Variant Classification Scheme 2023. Collection method: clinical testing. Allele origin: germline.
Comment: The p.N379D variant (also known as c.1135A>G), located in coding exon 8 of the FKTN gene, results from an A to G substitution at nucleotide position 1135. The asparagine at codon 379 is replaced by aspartic acid, an amino acid with highly similar properties. This amino acid position is conserved. In addition, the in silico prediction for this alteration is inconclusive. Based on the available evidence, the clinical significance of this variant remains unclear.

Labcorp Genetics (formerly Invitae), Labcorp
Classification: Uncertain significance for Walker-Warburg congenital muscular dystrophy. Last evaluated: 2023-08-10. Review status: criteria provided, single submitter. Criteria: Invitae Variant Classification Sherloc (09022015). Collection method: clinical testing. Allele origin: germline.
Comment: In summary, the available evidence is currently insufficient to determine the role of this variant in disease. Therefore, it has been classified as a Variant of Uncertain Significance. Advanced modeling of protein sequence and biophysical properties (such as structural, functional, and spatial information, amino acid conservation, physicochemical variation, residue mobility, and thermodynamic stability) performed at Invitae indicates that this missense variant is expected to disrupt FKTN protein function. ClinVar contains an entry for this variant (Variation ID: 641209). This variant has not been reported in the literature in individuals affected with FKTN-related conditions. This variant is not present in population databases (gnomAD no frequency). This sequence change replaces asparagine, which is neutral and polar, with aspartic acid, which is acidic and polar, at codon 379 of the FKTN protein (p.Asn379Asp).

Natera, Inc.
Classification: Uncertain significance for Walker-Warburg congenital muscular dystrophy. Last evaluated: 2021-10-18. Review status: no assertion criteria provided. Collection method: clinical testing. Allele origin: germline. Not counted in ClinVar's aggregate classification.

NM_001079802.2(FKTN):c.1135A>G (p.Asn379Asp)

Gene: FKTN (fukutin; plus strand). Cytogenetic location: 9q31.2.
Variant type: single nucleotide variant.
Coding change: c.1135A>G on transcript NM_001079802.2 (MANE Select); coding-DNA position 1135, A replaced by G.
Protein change: p.Asn379Asp; replaces asparagine 379 with aspartic acid.
Molecular consequence: missense variant. On other transcripts: non-coding transcript variant (2).
Genome position (GRCh38, 1-based): chr9:105,620,024, A>G. VCF-style: chr9-105620024-A-G. GRCh37 (hg19) VCF-style: chr9-108382305-A-G.
Other names: c.1135A>G, p.Asn379Asp (NM_001198963.2, NM_001351496.2, NM_001351498.2 and 1 more transcripts); c.1066A>G, p.Asn356Asp (NM_001351497.2); c.739A>G, p.Asn247Asp (NM_001351499.2, NM_001351500.2, NM_001351501.2 and 1 more transcripts); short protein forms N379D, N356D, N247D.
Identifiers: ClinVar variation 641209 (VCV000641209.13), dbSNP rs1048088668, ClinGen allele CA197452422.